The following is an entry in ClinVar:

ClinVar aggregate classification (germline): Uncertain significance. Review status: criteria provided, multiple submitters, no conflicts (2 of 4 stars). 2 submissions from 2 submitters: Uncertain significance (2). Last evaluated 2025-12-02.

Conditions:
Leukocyte adhesion deficiency type II. Also called: Congenital disorder of glycosylation type 2C; CDG 2C; Leukocyte adhesion deficiency type 2; Rambam Hasharon syndrome; CONGENITAL DISORDER OF GLYCOSYLATION, TYPE IIc; CDG IIc. Identifiers: Orphanet 2968, Orphanet 99843, MedGen C0398739, MONDO:0009953, OMIM 266265.
Inborn genetic diseases. Identifiers: MedGen C0950123, MeSH D030342.

Allele frequency attached by ClinVar (database versions not stated): TOPMed 0.00006; gnomAD 0.00007 and 0.00008; ESP Exome Variant Server 0.00008.

Submissions (2):

Ambry Genetics
Classification: Uncertain significance for Inborn genetic diseases. Last evaluated: 2025-12-02. Review status: criteria provided, single submitter. Criteria: Ambry Variant Classification Scheme 2023. Collection method: clinical testing. Allele origin: germline.

Labcorp Genetics (formerly Invitae), Labcorp
Classification: Uncertain significance for Leukocyte adhesion deficiency type II. Last evaluated: 2022-01-18. Review status: criteria provided, single submitter. Criteria: Invitae Variant Classification Sherloc (09022015). Collection method: clinical testing. Allele origin: germline.
Comment: This sequence change replaces valine, which is neutral and non-polar, with methionine, which is neutral and non-polar, at codon 203 of the SLC35C1 protein (p.Val203Met). This variant is present in population databases (rs368377475, gnomAD 0.03%). This variant has not been reported in the literature in individuals affected with SLC35C1-related conditions. ClinVar contains an entry for this variant (Variation ID: 1024283). Algorithms developed to predict the effect of missense changes on protein structure and function (SIFT, PolyPhen-2, Align-GVGD) all suggest that this variant is likely to be tolerated. In summary, the available evidence is currently insufficient to determine the role of this variant in disease. Therefore, it has been classified as a Variant of Uncertain Significance.

NM_018389.5(SLC35C1):c.607G>A (p.Val203Met)

Gene: SLC35C1 (solute carrier family 35 member C1; plus strand). Cytogenetic location: 11p11.2.
Variant type: single nucleotide variant.
Coding change: c.607G>A on transcript NM_018389.5 (MANE Select); coding-DNA position 607, G replaced by A.
Protein change: p.Val203Met; replaces valine 203 with methionine.
Molecular consequence: missense variant.
Genome position (GRCh38, 1-based): chr11:45,810,847, G>A. VCF-style: chr11-45810847-G-A. GRCh37 (hg19) VCF-style: chr11-45832398-G-A.
Other names: c.568G>A, p.Val190Met (NM_001145266.2, NM_001145265.2); short protein forms V190M, V203M.
Identifiers: ClinVar variation 1024283 (VCV001024283.6), dbSNP rs368377475, ClinGen allele CA5958293.